The following is an entry in ClinVar:

NM_198578.4(LRRK2):c.965C>T (p.Thr322Ile)

Gene: LRRK2 (leucine rich repeat kinase 2; plus strand). Cytogenetic location: 12q12.
Variant type: single nucleotide variant.
Coding change: c.965C>T on transcript NM_198578.4 (MANE Select); coding-DNA position 965, C replaced by T.
Protein change: p.Thr322Ile; replaces threonine 322 with isoleucine.
Molecular consequence: missense variant.
Genome position (GRCh38, 1-based): chr12:40,251,238, C>T. VCF-style: chr12-40251238-C-T. GRCh37 (hg19) VCF-style: chr12-40645040-C-T.
Other names: short protein forms T322I.
Identifiers: ClinVar variation 3649005 (VCV003649005.2).

ClinVar aggregate classification (germline): Uncertain significance (1 of 4 stars; one submission).

Conditions:
Autosomal dominant Parkinson disease 8. Also called: LRRK2-Related Parkinson Disease; Parkinson disease 8; Parkinson disease 8, susceptibility to. Identifiers: Orphanet 411602, MedGen C1846862, MONDO:0011764, OMIM 607060.

Submission:

Labcorp Genetics (formerly Invitae), Labcorp
Classification: Uncertain significance for Autosomal dominant Parkinson disease 8. Last evaluated: 2024-04-06. Review status: criteria provided, single submitter. Criteria: Invitae Variant Classification Sherloc (09022015). Collection method: clinical testing. Allele origin: germline.
Comment: This sequence change replaces threonine, which is neutral and polar, with isoleucine, which is neutral and non-polar, at codon 322 of the LRRK2 protein (p.Thr322Ile). This variant is not present in population databases (gnomAD no frequency). This variant has not been reported in the literature in individuals affected with LRRK2-related conditions. Advanced modeling of protein sequence and biophysical properties (such as structural, functional, and spatial information, amino acid conservation, physicochemical variation, residue mobility, and thermodynamic stability) has been performed at Invitae for this missense variant, however the output from this modeling did not meet the statistical confidence thresholds required to predict the impact of this variant on LRRK2 protein function. In summary, the available evidence is currently insufficient to determine the role of this variant in disease. Therefore, it has been classified as a Variant of Uncertain Significance.